The following is an entry in ClinVar:

ClinVar aggregate classification (germline): Likely benign (1 of 4 stars; one submission).

Submission:

CeGaT Center for Human Genetics Tuebingen
Classification: Likely benign. Last evaluated: 2024-04-01. Review status: criteria provided, single submitter. Criteria: CeGaT Center For Human Genetics Tuebingen Variant Classification Criteria Version 2. Collection method: clinical testing. Allele origin: germline. Affected: yes. Observed: 1 variant allele.
Comment: FANCE: PM2:Supporting, BP4, BP7

NM_021922.3(FANCE):c.1251A>G (p.Thr417=)

Gene: FANCE (FA complementation group E; plus strand). Cytogenetic location: 6p21.31.
Variant type: single nucleotide variant.
Coding change: c.1251A>G on transcript NM_021922.3 (MANE Select); coding-DNA position 1251, A replaced by G.
Protein change: p.Thr417=; no amino-acid change (threonine 417 retained).
Molecular consequence: synonymous variant.
Genome position (GRCh38, 1-based): chr6:35,459,695, A>G. VCF-style: chr6-35459695-A-G. GRCh37 (hg19) VCF-style: chr6-35427472-A-G.
Other names: c.1251A>G, p.Thr417= (NM_001410876.1).
Identifiers: ClinVar variation 3234679 (VCV003234679.20), dbSNP rs2533680475, ClinGen allele CA449943244.